The following is an entry in ClinVar:

ClinVar aggregate classification (germline): Likely pathogenic (1 of 4 stars; one submission).

Conditions:
Weiss-Kruszka syndrome. Also called: Metopic ridging-ptosis-facial dysmorphism syndrome. Identifiers: Orphanet 502430, MedGen C5568107, MONDO:0032836, OMIM 618619.

Submission:

Institute of Immunology and Genetics Kaiserslautern
Classification: Likely pathogenic for Weiss-Kruszka syndrome. Last evaluated: 2022-07-25. Review status: criteria provided, single submitter. Criteria: ACMG Guidelines, 2015. Collection method: clinical testing. Allele origin: paternal. Affected: yes.
Comment: ACMG Criteria: PVS1, PM2; Variant was found in heterozygous state.

NM_021224.6(ZNF462):c.7365_7366del (p.Glu2455fs)

Genes: ZNF462 (zinc finger protein 462; plus strand), LOC340512 (uncharacterized LOC340512; minus strand). Cytogenetic location: 9q31.2.
Variant type: Microsatellite.
Coding change: c.7365_7366del on transcript NM_021224.6 (MANE Select); coding-DNA positions 7365 to 7366, 2 bases deleted (GA; older notation c.7365_7366delGA).
Protein change: p.Glu2455fs; shifts the reading frame from glutamic acid 2455.
Molecular consequence: frameshift variant.
Genome position (GRCh38, 1-based): chr9:107,010,874-107,010,875, GA deleted; deleting any 2 consecutive bases within chr9:107,010,871-107,010,875 gives the same sequence; the c. name uses the placement nearest the transcript's 3' end. VCF-style (leftmost placement, unchanged base first): chr9-107010870-AAG-A. GRCh37 (hg19) VCF-style: chr9-109773151-AAG-A.
Other names: c.4770_4771del, p.Glu1590fs (NM_001347997.2); short protein forms E1590fs, E2455fs.
Identifiers: ClinVar variation 3366936 (VCV003366936.1).
Genomic context (GRCh38, chr9:107,010,870, plus strand): 5'-AATGTTTTTCCAGGGCATTGAATGACACCAAGCAGGTGAGCAGAGAAGAAATCCACCCAA[AAG>A]AGATCATGGAGAACAGTGTTAAAATGCCCTCCATAGAGGAAAAGGAAGATGACGAGGCCA-3'